The following is an entry in ClinVar:

NM_001270.4(CHD1):c.587+1G>T

Gene: CHD1 (chromodomain helicase DNA binding protein 1; minus strand). Cytogenetic location: 5q21.1.
Variant type: single nucleotide variant.
Coding change: c.587+1G>T on transcript NM_001270.4 (MANE Select); the canonical splice donor site of the intron after coding-DNA position 587, G replaced by T.
Molecular consequence: splice donor variant.
Genome position (GRCh38, 1-based): chr5:98,901,185, C>A on the plus strand (G>T on the coding strand, the complement: CHD1 is on the minus strand). VCF-style: chr5-98901185-C-A. GRCh37 (hg19) VCF-style: chr5-98236889-C-A.
Other names: c.587+1G>T (NM_001376194.2, NM_001364113.3).
Identifiers: ClinVar variation 4795662 (VCV004795662.1).

ClinVar aggregate classification (germline): Uncertain significance (1 of 4 stars; one submission).

Submission:

GeneDx
Classification: Uncertain significance. Last evaluated: 2025-08-12. Review status: criteria provided, single submitter. Criteria: GeneDx Variant Classification Process June 2021. Collection method: clinical testing. Allele origin: germline. Affected: yes.
Comment: Not observed at significant frequency in large population cohorts (gnomAD); Canonical splice site variant with an unclear effect on protein function; Has not been previously published as pathogenic or benign to our knowledge